The following is an entry in ClinVar:

NM_001005361.3(DNM2):c.1352G>T (p.Arg451Leu)

Gene: DNM2 (dynamin 2; plus strand). Cytogenetic location: 19p13.2.
Variant type: single nucleotide variant.
Coding change: c.1352G>T on transcript NM_001005361.3 (MANE Select); coding-DNA position 1352, G replaced by T.
Protein change: p.Arg451Leu; replaces arginine 451 with leucine.
Molecular consequence: missense variant.
Genome position (GRCh38, 1-based): chr19:10,798,502, G>T. VCF-style: chr19-10798502-G-T. GRCh37 (hg19) VCF-style: chr19-10909178-G-T.
Other names: c.1352G>T, p.Arg451Leu (NM_001005360.3, NM_001005362.3, NM_001190716.2 and 1 more transcripts); short protein forms R451L.
Identifiers: ClinVar variation 846592 (VCV000846592.9), dbSNP rs749154067, ClinGen allele CA404049544.

ClinVar aggregate classification (germline): Uncertain significance (1 of 4 stars; one submission).

Conditions:
Charcot-Marie-Tooth disease dominant intermediate B (CMTDIB). Also called: CHARCOT-MARIE-TOOTH NEUROPATHY, DOMINANT INTERMEDIATE B; Charcot-Marie-Tooth disease dominant intermediate 1; CMT DI1; Charcot-Marie-Tooth disease dominant intermediate I. Identifiers: Orphanet 100044, Orphanet 228179, MedGen C1847902, MONDO:0011674, OMIM 606482.

gnomAD v4.1: 13 of 1,614,008 alleles (0.00081%); highest among the groups gnomAD compares: Non-Finnish European, 0.001%; no homozygotes.

Submission:

Labcorp Genetics (formerly Invitae), Labcorp
Classification: Uncertain significance for Charcot-Marie-Tooth disease dominant intermediate B. Last evaluated: 2025-08-18. Review status: criteria provided, single submitter. Criteria: Invitae Variant Classification Sherloc (09022015). Collection method: clinical testing. Allele origin: germline.
Comment: This sequence change replaces arginine, which is basic and polar, with leucine, which is neutral and non-polar, at codon 451 of the DNM2 protein (p.Arg451Leu). This variant is not present in population databases (gnomAD no frequency). This missense change has been observed in individual(s) with hereditary sensory and motor neuropathy (PMID: 30373780). ClinVar contains an entry for this variant (Variation ID: 846592). Invitae Evidence Modeling of protein sequence and biophysical properties (such as structural, functional, and spatial information, amino acid conservation, physicochemical variation, residue mobility, and thermodynamic stability) indicates that this missense variant is not expected to disrupt DNM2 protein function with a negative predictive value of 95%. In summary, the available evidence is currently insufficient to determine the role of this variant in disease. Therefore, it has been classified as a Variant of Uncertain Significance.

Literature cited by the submitters: PubMed 30373780.